The following is an entry in ClinVar:

ClinVar aggregate classification (germline): Uncertain significance (1 of 4 stars; one submission).

Conditions:
Progressive myoclonic epilepsy type 7. Identifiers: Orphanet 435438, MedGen C4015420, MONDO:0014521, OMIM 616187.

Allele frequency attached by ClinVar (database versions not stated): gnomAD exomes below 0.00001; gnomAD 0.00001.
gnomAD v4.1: 2 of 1,614,082 alleles (0.00012%); highest among the groups gnomAD compares: East Asian, 0.0022%; no homozygotes.

Submission:

Labcorp Genetics (formerly Invitae), Labcorp
Classification: Uncertain significance for Progressive myoclonic epilepsy type 7. Last evaluated: 2023-03-12. Review status: criteria provided, single submitter. Criteria: Invitae Variant Classification Sherloc (09022015). Collection method: clinical testing. Allele origin: germline.
Comment: This variant is present in population databases (no rsID available, gnomAD 0.006%). This sequence change replaces isoleucine, which is neutral and non-polar, with valine, which is neutral and non-polar, at codon 265 of the KCNC1 protein (p.Ile265Val). In summary, the available evidence is currently insufficient to determine the role of this variant in disease. Therefore, it has been classified as a Variant of Uncertain Significance. Advanced modeling of protein sequence and biophysical properties (such as structural, functional, and spatial information, amino acid conservation, physicochemical variation, residue mobility, and thermodynamic stability) performed at Invitae indicates that this missense variant is not expected to disrupt KCNC1 protein function. This variant has not been reported in the literature in individuals affected with KCNC1-related conditions.

NM_001112741.2(KCNC1):c.793A>G (p.Ile265Val)

Gene: KCNC1 (potassium voltage-gated channel subfamily C member 1; plus strand). Cytogenetic location: 11p15.1.
Variant type: single nucleotide variant.
Coding change: c.793A>G on transcript NM_001112741.2 (MANE Select); coding-DNA position 793, A replaced by G.
Protein change: p.Ile265Val; replaces isoleucine 265 with valine.
Molecular consequence: missense variant.
Genome position (GRCh38, 1-based): chr11:17,771,887, A>G. VCF-style: chr11-17771887-A-G. GRCh37 (hg19) VCF-style: chr11-17793434-A-G.
Other names: c.793A>G, p.Ile265Val (NM_004976.4); short protein forms I265V.
Identifiers: ClinVar variation 2815693 (VCV002815693.3), dbSNP rs1297790335, ClinGen allele CA379806404.
Genomic context (GRCh38, chr11:17,771,887, plus strand): 5'-CTTACCTACATCGAGGGCGTCTGTGTGGTCTGGTTCACCTTCGAGTTCCTCATGCGTGTC[A>G]TCTTCTGCCCCAACAAGGTAGAGTTCATCAAGAACTCGCTCAACATCATTGACTTTGTGG-3'
Protein context (NP_001106212.1, residues 255-275): WFTFEFLMRV[Ile265Val]FCPNKVEFIK